The following is an entry in ClinVar:

NM_001378418.1(TCF20):c.763del (p.Gln255fs)

Gene: TCF20 (transcription factor 20; minus strand). Cytogenetic location: 22q13.2.
Variant type: Deletion.
Coding change: c.763del on transcript NM_001378418.1 (MANE Select); coding-DNA position 763, one base deleted (C; older notation c.763delC).
Protein change: p.Gln255fs; shifts the reading frame from glutamine 255.
Molecular consequence: frameshift variant.
Genome position (GRCh38, 1-based): chr22:42,214,543, G deleted on the plus strand (C on the coding strand, the reverse complement: TCF20 is on the minus strand); the first of 2 consecutive G bases (chr22:42,214,543-42,214,544); deleting either gives the same sequence. VCF-style (leftmost placement, unchanged base first): chr22-42214542-TG-T. GRCh37 (hg19) VCF-style: chr22-42610548-TG-T.
Other names: c.763del, p.Gln255fs (NM_005650.4, NM_181492.3); short protein forms Q255fs.
Identifiers: ClinVar variation 4077091 (VCV004077091.1).

ClinVar aggregate classification (germline): Likely pathogenic (1 of 4 stars; one submission).

Conditions:
Developmental delay with variable intellectual impairment and behavioral abnormalities. Identifiers: MedGen C5193092, MONDO:0032745, OMIM 618430.

Submission:

MVZ Medizinische Genetik Mainz
Classification: Likely pathogenic for Developmental delay with variable intellectual impairment and behavioral abnormalities. Last evaluated: 2025-07-25. Review status: criteria provided, single submitter. Criteria: UK Practice Guidelines For Variant Classification V4 01 2020. Collection method: clinical testing. Allele origin: germline. Inheritance: Autosomal dominant inheritance. Affected: yes. Observed: 1 variant allele.
Comment: ACMG Criteria: PVS1,PM2_SUP